The following is an entry in ClinVar:

ClinVar aggregate classification (germline): Likely benign. Review status: criteria provided, multiple submitters, no conflicts (2 of 4 stars). 3 submissions from 3 submitters: Likely benign (2). 1 of the submissions does not count toward it. Last evaluated 2026-03-01.

Conditions:
IFT74-related disorder. Also called: IFT74-related condition; IFT74-Related Disorders.

Allele frequency attached by ClinVar (database versions not stated): ExAC 0.00002; gnomAD exomes 0.00002; gnomAD 0.00003; TOPMed 0.00003.
gnomAD v4.1: 31 of 1,603,792 alleles (0.0019%); highest among the groups gnomAD compares: African/African-American, 0.004%; no homozygotes.

Submissions (3):

CeGaT Center for Human Genetics Tuebingen
Classification: Likely benign. Last evaluated: 2026-03-01. Review status: criteria provided, single submitter. Criteria: CeGaT Center For Human Genetics Tuebingen Variant Classification Criteria Version 2. Collection method: clinical testing. Allele origin: germline. Affected: yes. Observed: 1 variant allele.
Comment: IFT74: BP4, BP7

Labcorp Genetics (formerly Invitae), Labcorp
Classification: Likely benign. Last evaluated: 2024-09-16. Review status: criteria provided, single submitter. Criteria: Invitae Variant Classification Sherloc (09022015). Collection method: clinical testing. Allele origin: germline.

PreventionGenetics, part of Exact Sciences
Classification: Likely benign for IFT74-related condition. Last evaluated: 2021-08-10. Review status: no assertion criteria provided. Collection method: clinical testing. Allele origin: germline. Not counted in ClinVar's aggregate classification.
Comment: This variant is classified as likely benign based on ACMG/AMP sequence variant interpretation guidelines (Richards et al. 2015 PMID: 25741868, with internal and published modifications).

NM_025103.4(IFT74):c.1770C>T (p.Ile590=)

Gene: IFT74 (intraflagellar transport 74; plus strand). Cytogenetic location: 9p21.2.
Variant type: single nucleotide variant.
Coding change: c.1770C>T on transcript NM_025103.4 (MANE Select); coding-DNA position 1770, C replaced by T.
Protein change: p.Ile590=; no amino-acid change (isoleucine 590 retained).
Molecular consequence: synonymous variant. On other transcripts: 3 prime UTR variant (1).
Genome position (GRCh38, 1-based): chr9:27,062,703, C>T. VCF-style: chr9-27062703-C-T. GRCh37 (hg19) VCF-style: chr9-27062701-C-T.
Other names: c.1770C>T, p.Ile590= (NM_001099222.3, NM_001099223.3); c.*706C>T (NM_001349928.2); c.1770C>T (NM_025103.2).
Identifiers: ClinVar variation 2191230 (VCV002191230.10), dbSNP rs767617338, ClinGen allele CA5015778.